The following is an entry in ClinVar:

ClinVar aggregate classification (germline): Uncertain significance (1 of 4 stars; one submission).

Allele frequency attached by ClinVar (database versions not stated): TOPMed below 0.00001; ExAC 0.00001; gnomAD 0.00001 and 0.00002; gnomAD exomes 0.00001.
gnomAD v4.1: 20 of 1,613,354 alleles (0.0012%); highest among the groups gnomAD compares: Middle Eastern, 0.016%; no homozygotes.

Submission:

Labcorp Genetics (formerly Invitae), Labcorp
Classification: Uncertain significance. Last evaluated: 2022-08-16. Review status: criteria provided, single submitter. Criteria: Invitae Variant Classification Sherloc (09022015). Collection method: clinical testing. Allele origin: germline.
Comment: This sequence change replaces arginine, which is basic and polar, with histidine, which is basic and polar, at codon 34 of the HPS5 protein (p.Arg34His). This variant is present in population databases (rs772160206, gnomAD 0.003%). This variant has not been reported in the literature in individuals affected with HPS5-related conditions. ClinVar contains an entry for this variant (Variation ID: 1361350). Algorithms developed to predict the effect of missense changes on protein structure and function are either unavailable or do not agree on the potential impact of this missense change (SIFT: "Deleterious"; PolyPhen-2: "Probably Damaging"; Align-GVGD: "Class C0"). In summary, the available evidence is currently insufficient to determine the role of this variant in disease. Therefore, it has been classified as a Variant of Uncertain Significance.

NM_181507.2(HPS5):c.101G>A (p.Arg34His)

Gene: HPS5 (HPS5 biogenesis of lysosomal organelles complex 2 subunit 2; minus strand). Cytogenetic location: 11p15.1.
Variant type: single nucleotide variant.
Coding change: c.101G>A on transcript NM_181507.2 (MANE Select); coding-DNA position 101, G replaced by A.
Protein change: p.Arg34His; replaces arginine 34 with histidine.
Molecular consequence: missense variant. On other transcripts: 5 prime UTR variant (3), intron variant (14).
Genome position (GRCh38, 1-based): chr11:18,317,758, C>T on the plus strand (G>A on the coding strand, the complement: HPS5 is on the minus strand). VCF-style: chr11-18317758-C-T. GRCh37 (hg19) VCF-style: chr11-18339305-C-T.
Other names: c.101G>A, p.Arg34His (NM_001440902.1, NM_001440903.1, NM_001440904.1 and 9 more transcripts); c.-91G>A (NM_001440907.1, NM_001440908.1, NM_001440918.1); c.-124+4375G>A (NM_001440929.1); c.-235+4375G>A (NM_181508.2, NM_001440921.1); c.-124+4319G>A (NM_001440926.1); c.-235+4319G>A (NM_001440925.1, NM_001440920.1); c.-124+4188G>A (NM_001440928.1, NM_001440922.1); c.-235+4188G>A (NM_001440927.1, NM_001440930.1, NM_007216.4 and 2 more transcripts); and 1 more; short protein forms R34H.
Identifiers: ClinVar variation 1361350 (VCV001361350.5), dbSNP rs772160206, ClinGen allele CA5910576.
Genomic context (GRCh38, chr11:18,317,758, plus strand): 5'-CAGTAACAGAGAGCACGTGAAAATGAAACTGATACAAGGATCAAGAAATTCACCTTTAGA[C>T]GACTGGAGTCCAGCCGCAGGGCTGAGAGTAATGGATCCAGAGATTCAAACTCTGCAAGAA-3'
Protein context (NP_852608.1, residues 24-44): LLSALRLDSS[Arg34His]LKCTSIAVSR